The following is an entry in ClinVar:

ClinVar aggregate classification (germline): Conflicting classifications of pathogenicity. Review status: criteria provided, conflicting classifications (1 of 4 stars). 8 submissions from 8 submitters: Uncertain significance (1); Benign (6); Likely benign (1). Last evaluated 2026-01-24.

Conditions:
X-linked sideroblastic anemia 1. Also called: ANEMIA, SIDEROBLASTIC, 1, PYRIDOXINE REFRACTORY; X-linked pyridoxine-refractory sideroblastic anemia; Anemia, hereditary sideroblastic 1, pyridoxine refractory; Erythroid 5-aminolevulinate synthase deficiency; X chromosome-linked sideroblastic anemia; Anemia, sideroblastic, 1. Identifiers: Orphanet 75563, MedGen C4551511, MONDO:0020721, OMIM 300751. Disease mechanism: loss of function.

Allele frequency attached by ClinVar (database versions not stated): 1000 Genomes Project 0.00265; 1000 Genomes Project 30x 0.00271; gnomAD 0.00356 and 0.00362; ESP Exome Variant Server 0.00407; TOPMed 0.00428.
gnomAD v4.1: 4,670 of 1,209,514 alleles (0.39%); highest among the groups gnomAD compares: Middle Eastern, 0.8%; 13 homozygotes.

Submissions (8):

Labcorp Genetics (formerly Invitae), Labcorp
Classification: Benign. Last evaluated: 2026-01-24. Review status: criteria provided, single submitter. Criteria: Invitae Variant Classification Sherloc (09022015). Collection method: clinical testing. Allele origin: germline.

Blueprint Genetics
Classification: Likely benign. Last evaluated: 2024-11-21. Review status: criteria provided, single submitter. Criteria: ACMG Guidelines, 2015. Collection method: clinical testing. Allele origin: germline.

Mayo Clinic Laboratories, Mayo Clinic
Classification: Benign. Last evaluated: 2022-03-30. Review status: criteria provided, single submitter. Criteria: ACMG Guidelines, 2015. Collection method: clinical testing. Allele origin: germline. Observed: 3 variant alleles.
Comment: BS1, BS2, BP4, BP7

Genome-Nilou Lab
Classification: Benign for X-linked sideroblastic anemia 1. Last evaluated: 2021-05-18. Review status: criteria provided, single submitter. Criteria: ACMG Guidelines, 2015. Collection method: clinical testing. Allele origin: germline. Affected: no.

Genetic Services Laboratory, University of Chicago
Classification: Benign. Last evaluated: 2018-11-25. Review status: criteria provided, single submitter. Criteria: ACMG Guidelines, 2015. Collection method: clinical testing. Allele origin: germline. Affected: no.

Illumina Laboratory Services, Illumina
Classification: Benign for X-linked sideroblastic anemia 1. Last evaluated: 2018-01-13. Review status: criteria provided, single submitter. Criteria: ICSL Variant Classification Criteria 13 December 2019. Collection method: clinical testing. Allele origin: germline.
Comment: This variant was observed in the ICSL laboratory as part of a predisposition screen in an ostensibly healthy population. It had not been previously curated by ICSL or reported in the Human Gene Mutation Database (HGMD: prior to June 1st, 2018), and was therefore a candidate for classification through an automated scoring system. Utilizing variant allele frequency, disease prevalence and penetrance estimates, and inheritance mode, an automated score was calculated to assess if this variant is too frequent to cause the disease. Based on the score and internal cut-off values, a variant classified as benign is not then subjected to further curation. The score for this variant resulted in a classification of benign for this disease.

CeGaT Center for Human Genetics Tuebingen
Classification: Uncertain significance. Last evaluated: 2016-05-01. Review status: criteria provided, single submitter. Criteria: CeGaT Center For Human Genetics Tuebingen Variant Classification Criteria Version 2. Collection method: clinical testing. Allele origin: germline. Affected: yes. Observed: 1 variant allele.

GeneDx
Classification: Benign. Last evaluated: 2014-06-09. Review status: criteria provided, single submitter. Criteria: GeneDx Variant Classification (06012015). Collection method: clinical testing. Allele origin: germline. Affected: yes.
Comment: This variant is considered likely benign or benign based on one or more of the following criteria: it is a conservative change, it occurs at a poorly conserved position in the protein, it is predicted to be benign by multiple in silico algorithms, and/or has population frequency not consistent with disease.

NM_000032.5(ALAS2):c.1560C>A (p.Pro520=)

Gene: ALAS2 (5'-aminolevulinate synthase 2; minus strand). Cytogenetic location: Xp11.21.
Variant type: single nucleotide variant.
Coding change: c.1560C>A on transcript NM_000032.5 (MANE Select); coding-DNA position 1560, C replaced by A.
Protein change: p.Pro520=; no amino-acid change (proline 520 retained).
Molecular consequence: synonymous variant.
Genome position (GRCh38, 1-based): chrX:55,013,526, G>T on the plus strand (C>A on the coding strand, the complement: ALAS2 is on the minus strand). VCF-style: chrX-55013526-G-T. GRCh37 (hg19) VCF-style: chrX-55039959-G-T.
Other names: p.P520P:CCC>CCA; p.Pro520=; c.1560C>A, p.Pro520= (LRG_1163t1); c.1449C>A, p.Pro483= (NM_001037967.4); c.1521C>A, p.Pro507= (NM_001037968.4).
Identifiers: ClinVar variation 214089 (VCV000214089.67), dbSNP rs150055592, ClinGen allele CA321966.